The following is an entry in ClinVar:

NM_015087.5(SPART):c.1267G>C (p.Val423Leu)

Gene: SPART (spartin; minus strand). Cytogenetic location: 13q13.3.
Variant type: single nucleotide variant.
Coding change: c.1267G>C on transcript NM_015087.5 (MANE Select); coding-DNA position 1267, G replaced by C.
Protein change: p.Val423Leu; replaces valine 423 with leucine.
Molecular consequence: missense variant.
Genome position (GRCh38, 1-based): chr13:36,326,596, C>G on the plus strand (G>C on the coding strand, the complement: SPART is on the minus strand). VCF-style: chr13-36326596-C-G. GRCh37 (hg19) VCF-style: chr13-36900733-C-G.
Other names: c.1267G>C, p.Val423Leu (NM_001142294.2, NM_001142295.2, NM_001142296.2); short protein forms V423L.
Identifiers: ClinVar variation 2092049 (VCV002092049.4), dbSNP rs1254633276, ClinGen allele CA387859294.

ClinVar aggregate classification (germline): Uncertain significance (1 of 4 stars; one submission).

Submission:

Labcorp Genetics (formerly Invitae), Labcorp
Classification: Uncertain significance. Last evaluated: 2023-10-03. Review status: criteria provided, single submitter. Criteria: Invitae Variant Classification Sherloc (09022015). Collection method: clinical testing. Allele origin: germline.
Comment: This sequence change replaces valine, which is neutral and non-polar, with leucine, which is neutral and non-polar, at codon 423 of the SPART protein (p.Val423Leu). This variant is present in population databases (no rsID available, gnomAD 0.003%). This variant has not been reported in the literature in individuals affected with SPART-related conditions. ClinVar contains an entry for this variant (Variation ID: 2092049). Advanced modeling of protein sequence and biophysical properties (such as structural, functional, and spatial information, amino acid conservation, physicochemical variation, residue mobility, and thermodynamic stability) performed at Invitae indicates that this missense variant is not expected to disrupt SPART protein function. In summary, the available evidence is currently insufficient to determine the role of this variant in disease. Therefore, it has been classified as a Variant of Uncertain Significance.